The following is an entry in ClinVar:

ClinVar aggregate classification (germline): Uncertain significance (1 of 4 stars; one submission).

Submission:

Labcorp Genetics (formerly Invitae), Labcorp
Classification: Uncertain significance. Last evaluated: 2022-10-07. Review status: criteria provided, single submitter. Criteria: Invitae Variant Classification Sherloc (09022015). Collection method: clinical testing. Allele origin: germline.
Comment: This variant has not been reported in the literature in individuals affected with COL4A4-related conditions. This variant is not present in population databases (gnomAD no frequency). This sequence change replaces glutamic acid, which is acidic and polar, with aspartic acid, which is acidic and polar, at codon 215 of the COL4A4 protein (p.Glu215Asp). Advanced modeling of protein sequence and biophysical properties (such as structural, functional, and spatial information, amino acid conservation, physicochemical variation, residue mobility, and thermodynamic stability) performed at Invitae indicates that this missense variant is not expected to disrupt COL4A4 protein function. In summary, the available evidence is currently insufficient to determine the role of this variant in disease. Therefore, it has been classified as a Variant of Uncertain Significance.

NM_000092.5(COL4A4):c.645G>C (p.Glu215Asp)

Gene: COL4A4 (collagen type IV alpha 4 chain; minus strand). Cytogenetic location: 2q36.3.
Variant type: single nucleotide variant.
Coding change: c.645G>C on transcript NM_000092.5 (MANE Select); coding-DNA position 645, G replaced by C.
Protein change: p.Glu215Asp; replaces glutamic acid 215 with aspartic acid.
Molecular consequence: missense variant.
Genome position (GRCh38, 1-based): chr2:227,109,236, C>G on the plus strand (G>C on the coding strand, the complement: COL4A4 is on the minus strand). VCF-style: chr2-227109236-C-G. GRCh37 (hg19) VCF-style: chr2-227973952-C-G.
Other names: short protein forms E215D.
Identifiers: ClinVar variation 1721171 (VCV001721171.5), dbSNP rs2061038127, ClinGen allele CA350859756.
Genomic context (GRCh38, chr2:227,109,236, plus strand): 5'-TGTAGAATCTGGTTTTTAAAGGGATCACATCAGCAGTGCTGTACTTACCACTAACCCTGG[C>G]TCTCCAGGATATCCTGTGGGACCTGCCGGTCCTCCTGCACCCCAAGATCCCTAAACATGA-3'
Protein context (NP_000083.3, residues 205-225): GPAGPTGYPG[Glu215Asp]PGLVGPPGQP